The following is an entry in ClinVar:

NM_001032283.3(TMPO):c.565+1362_565+1363insTCA

Gene: TMPO (thymopoietin; plus strand). Cytogenetic location: 12q23.1.
Variant type: Insertion.
Coding change: c.565+1362_565+1363insTCA on transcript NM_001032283.3 (MANE Select); bases 1362 to 1363 of the intron after coding-DNA position 565, TCA inserted.
Molecular consequence: intron variant. On other transcripts: inframe insertion (1).
Genome position: GRCh38 VCF-style: chr12-98533199-T-TATC. GRCh37 (hg19) VCF-style: chr12-98926977-T-TATC.
Other names: c.565+1362_565+1363insTCA (NM_001032284.3, NM_001307975.2); c.943_944insTCA, p.Ile314dup (NM_003276.2).
Identifiers: ClinVar variation 1423248 (VCV001423248.6), dbSNP rs755623404, ClinGen allele CA6732317.

ClinVar aggregate classification (germline): Uncertain significance (1 of 4 stars; one submission).

Conditions:
Loeys-Dietz syndrome 2 (LDS2). Also called: TGFBR2-Related Loeys-Dietz Syndrome; Marfan Syndrome type 2; Marfan like connective tissue disorder; MFS 2; Marfan syndrome, type 2 (formerly); AORTIC ANEURYSM, FAMILIAL THORACIC 3. Identifiers: Orphanet 284973, Orphanet 558, MedGen C2674574, MONDO:0012427, OMIM 610168.

Submission:

Labcorp Genetics (formerly Invitae), Labcorp
Classification: Uncertain significance for Loeys-Dietz syndrome 2. Last evaluated: 2021-10-28. Review status: criteria provided, single submitter. Criteria: Invitae Variant Classification Sherloc (09022015). Collection method: clinical testing. Allele origin: germline.
Comment: In summary, the available evidence is currently insufficient to determine the role of this variant in disease. Therefore, it has been classified as a Variant of Uncertain Significance. Experimental studies and prediction algorithms are not available or were not evaluated, and the functional significance of this variant is currently unknown. This variant has not been reported in the literature in individuals affected with TMPO-related conditions. This variant is present in population databases (rs755623404, gnomAD 0.006%). This variant, c.943_944insTCA, results in the insertion of 1 amino acid(s) of the TMPO protein (p.Ile314dup), but otherwise preserves the integrity of the reading frame.